The following is an entry in ClinVar:

ClinVar aggregate classification (germline): Uncertain significance (1 of 4 stars; one submission).

gnomAD v4.1: 1 of 1,614,174 alleles (0.000062%); highest among the groups gnomAD compares: Non-Finnish European, 0.000085%; no homozygotes.

Submission:

GeneDx
Classification: Uncertain significance. Last evaluated: 2025-11-25. Review status: criteria provided, single submitter. Criteria: GeneDx Variant Classification Process June 2021. Collection method: clinical testing. Allele origin: germline. Affected: yes.
Comment: Not observed at significant frequency in large population cohorts (gnomAD); In silico analysis supports that this missense variant has a deleterious effect on protein structure/function; Has not been previously published as pathogenic or benign to our knowledge

NM_001005273.3(CHD3):c.2384C>G (p.Ser795Cys)

Gene: CHD3 (chromodomain helicase DNA binding protein 3; plus strand). Cytogenetic location: 17p13.1.
Variant type: single nucleotide variant.
Coding change: c.2384C>G on transcript NM_001005273.3 (MANE Select); coding-DNA position 2384, C replaced by G.
Protein change: p.Ser795Cys; replaces serine 795 with cysteine.
Molecular consequence: missense variant.
Genome position (GRCh38, 1-based): chr17:7,899,383, C>G. VCF-style: chr17-7899383-C-G. GRCh37 (hg19) VCF-style: chr17-7802701-C-G.
Other names: c.2384C>G, p.Ser795Cys (NM_005852.4); c.2561C>G, p.Ser854Cys (NM_001005271.3, NM_001437504.1); c.2549C>G, p.Ser850Cys (NM_001437507.1, NM_001437508.1, NM_001437509.1); short protein forms S795C, S850C, S854C.
Identifiers: ClinVar variation 4530771 (VCV004530771.1).